The following is an entry in ClinVar:

NM_000271.5(NPC1):c.2911G>A (p.Val971Met)

Gene: NPC1 (NPC intracellular cholesterol transporter 1; minus strand). Cytogenetic location: 18q11.2.
Variant type: single nucleotide variant.
Coding change: c.2911G>A on transcript NM_000271.5 (MANE Select); coding-DNA position 2911, G replaced by A.
Protein change: p.Val971Met; replaces valine 971 with methionine.
Molecular consequence: missense variant.
Genome position (GRCh38, 1-based): chr18:23,539,355, C>T on the plus strand (G>A on the coding strand, the complement: NPC1 is on the minus strand). VCF-style: chr18-23539355-C-T. GRCh37 (hg19) VCF-style: chr18-21119319-C-T.
Other names: short protein forms V971M.
Identifiers: ClinVar variation 1430311 (VCV001430311.7), dbSNP rs928977082, ClinGen allele CA297081147.

ClinVar aggregate classification (germline): Uncertain significance (1 of 4 stars; one submission).

Conditions:
Niemann-Pick disease, type C1. Also called: NIEMANN-PICK DISEASE, VARIANT TYPE C1; NEUROVISCERAL STORAGE DISEASE WITH VERTICAL SUPRANUCLEAR OPHTHALMOPLEGIA; NIEMANN-PICK DISEASE WITH CHOLESTEROL ESTERIFICATION BLOCK; NIEMANN-PICK DISEASE WITHOUT SPHINGOMYELINASE DEFICIENCY; NIEMANN-PICK DISEASE, CHRONIC NEURONOPATHIC FORM. Identifiers: Orphanet 646, MedGen C3179455, MONDO:0009757, OMIM 257220.

Allele frequency attached by ClinVar (database versions not stated): TOPMed 0.00001.

Submission:

Labcorp Genetics (formerly Invitae), Labcorp
Classification: Uncertain significance for Niemann-Pick disease, type C1. Last evaluated: 2025-02-24. Review status: criteria provided, single submitter. Criteria: Invitae Variant Classification Sherloc (09022015). Collection method: clinical testing. Allele origin: germline.
Comment: This sequence change replaces valine, which is neutral and non-polar, with methionine, which is neutral and non-polar, at codon 971 of the NPC1 protein (p.Val971Met). This variant also falls at the last nucleotide of exon 19, which is part of the consensus splice site for this exon. This variant is not present in population databases (gnomAD no frequency). This variant has not been reported in the literature in individuals affected with NPC1-related conditions. ClinVar contains an entry for this variant (Variation ID: 1430311). An algorithm developed to predict the effect of missense changes on protein structure and function (PolyPhen-2) suggests that this variant is likely to be tolerated. Variants that disrupt the consensus splice site are a relatively common cause of aberrant splicing (PMID: 17576681, 9536098). Algorithms developed to predict the effect of sequence changes on RNA splicing suggest that this variant may disrupt the consensus splice site. In summary, the available evidence is currently insufficient to determine the role of this variant in disease. Therefore, it has been classified as a Variant of Uncertain Significance.

Literature cited by the submitters: PubMed 17576681; PubMed 9536098.